The following is an entry in ClinVar:

NM_000059.4(BRCA2):c.1065A>G (p.Val355=)

Gene: BRCA2 (BRCA2 DNA repair associated; plus strand). Cytogenetic location: 13q13.1.
Variant type: single nucleotide variant.
Coding change: c.1065A>G on transcript NM_000059.4 (MANE Select); coding-DNA position 1065, A replaced by G.
Protein change: p.Val355=; no amino-acid change (valine 355 retained).
Molecular consequence: synonymous variant. On other transcripts: non-coding transcript variant (1), intron variant (1).
Genome position (GRCh38, 1-based): chr13:32,332,543, A>G. VCF-style: chr13-32332543-A-G. GRCh37 (hg19) VCF-style: chr13-32906680-A-G.
Other names: c.1065A>G, p.Val355= (NM_001406719.1, NM_001406720.1, NM_001406721.1); c.424+1513A>G (NM_001406722.1).
Identifiers: ClinVar variation 1781456 (VCV001781456.3), dbSNP rs1249299085, ClinGen allele CA483436617.
Genomic context (GRCh38, chr13:32,332,543, plus strand): 5'-AGCAAACGCTGATGAATGTGAAAAATCTAAAAACCAAGTGAAAGAAAAATACTCATTTGT[A>G]TCTGAAGTGGAACCAAATGATACTGATCCATTAGATTCAAATGTAGCAAATCAGAAGCCC-3'
Protein context (NP_000050.3, residues 345-365): KNQVKEKYSF[Val355=]SEVEPNDTDP

ClinVar aggregate classification (germline): Likely benign. Review status: criteria provided, multiple submitters, no conflicts (2 of 4 stars). 2 submissions from 2 submitters: Likely benign (2). Last evaluated 2024-03-24.

Conditions:
BRCA2-related cancer predisposition. Identifiers: MedGen CN377758, MONDO:0700269.
Hereditary cancer-predisposing syndrome. Also called: Neoplastic Syndromes, Hereditary; Tumor predisposition; Hereditary Cancer Syndrome; Hereditary neoplastic syndrome. Identifiers: Orphanet 140162, MedGen C0027672, MeSH D009386, MONDO:0015356.

Allele frequency attached by ClinVar (database versions not stated): gnomAD exomes below 0.00001.
gnomAD v4.1: 1 of 1,612,986 alleles (0.000062%); highest among the groups gnomAD compares: East Asian, 0.0022%; no homozygotes.

Submissions (2):

All of Us Research Program, National Institutes of Health
Classification: Likely benign for BRCA2-related cancer predisposition. Last evaluated: 2024-03-24. Review status: criteria provided, single submitter. Criteria: ACMG Guidelines, 2015. Collection method: clinical testing. Allele origin: germline. Inheritance: Autosomal dominant inheritance. Observed: 1 variant allele, 1 heterozygote.
Comment: This study involves interpretation of variants in research participants for the purpose of population health screening. Participant phenotype was not available at the time of variant classification. Additional details can be found in publication PMID: 35346344, PMCID: PMC8962531

Ambry Genetics
Classification: Likely benign for Hereditary cancer-predisposing syndrome. Last evaluated: 2021-09-02. Review status: criteria provided, single submitter. Criteria: Ambry Variant Classification Scheme 2023. Collection method: clinical testing. Allele origin: germline.